The following is an entry in ClinVar:

ClinVar aggregate classification (germline): Benign/Likely benign. Review status: criteria provided, multiple submitters, no conflicts (2 of 4 stars). 4 submissions from 3 submitters: Benign (2); Likely benign (2). Last evaluated 2018-01-12.

Conditions:
Primary dilated cardiomyopathy (DCM). Also called: Dilated Cardiomyopathy. Identifiers: Orphanet 217604, MedGen C0007193, MeSH D002311, MONDO:0005021, HP:0001644. Inheritance: Various modes of inheritance.
Endocardial fibroelastosis (EFE). Identifiers: Orphanet 2022, MedGen C0014117, MONDO:0009169, OMIM 226000, HP:0001706.

Allele frequency attached by ClinVar (database versions not stated): 1000 Genomes Project 0.00450; TOPMed 0.00839; gnomAD exomes 0.01242 and 0.00825; ExAC 0.00419; 1000 Genomes Project 30x 0.00499; gnomAD 0.01021 and 0.01005.

Submissions (4):

Illumina Laboratory Services, Illumina
Classification: Likely benign for Primary dilated cardiomyopathy. Last evaluated: 2018-01-12. Review status: criteria provided, single submitter. Criteria: ICSL Variant Classification Criteria 13 December 2019. Collection method: clinical testing. Allele origin: germline.
Comment: This variant was observed in the ICSL laboratory as part of a predisposition screen in an ostensibly healthy population. It had not been previously curated by ICSL or reported in the Human Gene Mutation Database (HGMD: prior to June 1st, 2018), and was therefore a candidate for classification through an automated scoring system. Utilizing variant allele frequency, disease prevalence and penetrance estimates, and inheritance mode, an automated score was calculated to assess if this variant is too frequent to cause the disease. Based on the score and internal cut-off values, a variant classified as likely benign is not then subjected to further curation. The score for this variant resulted in a classification of likely benign for this disease.

Illumina Laboratory Services, Illumina
Classification: Benign for Endocardial fibroelastosis. Last evaluated: 2018-01-12. Review status: criteria provided, single submitter. Criteria: ICSL Variant Classification Criteria 13 December 2019. Collection method: clinical testing. Allele origin: germline.
Comment: This variant was observed in the ICSL laboratory as part of a predisposition screen in an ostensibly healthy population. It had not been previously curated by ICSL or reported in the Human Gene Mutation Database (HGMD: prior to June 1st, 2018), and was therefore a candidate for classification through an automated scoring system. Utilizing variant allele frequency, disease prevalence and penetrance estimates, and inheritance mode, an automated score was calculated to assess if this variant is too frequent to cause the disease. Based on the score and internal cut-off values, a variant classified as benign is not then subjected to further curation. The score for this variant resulted in a classification of benign for this disease.

GeneDx
Classification: Benign. Last evaluated: 2015-03-03. Review status: criteria provided, single submitter. Criteria: GeneDx Variant Classification Process June 2021. Collection method: clinical testing. Allele origin: germline. Affected: yes.

Breakthrough Genomics
Classification: Likely benign. Review status: criteria provided, single submitter. Criteria: ACMG Guidelines, 2015. Collection method: not provided. Allele origin: germline. Inheritance: X-linked inheritance. Affected: yes.

NM_000116.5(TAFAZZIN):c.-88G>C

Genes: DNASE1L1 (deoxyribonuclease 1 like 1; minus strand), TAFAZZIN (tafazzin, phospholipid-lysophospholipid transacylase; plus strand), LOC130068869 (ATAC-STARR-seq lymphoblastoid silent region 21101; plus strand). Cytogenetic location: Xq28.
Variant type: single nucleotide variant.
Coding change: c.-88G>C on transcript NM_000116.5 (MANE Select); 88 bases upstream of the start codon, G replaced by C.
Molecular consequence: 5 prime UTR variant. On other transcripts: non-coding transcript variant (1), intron variant (3).
Genome position (GRCh38, 1-based): chrX:154,411,756, G>C. VCF-style: chrX-154411756-G-C. GRCh37 (hg19) VCF-style: chrX-153640093-G-C.
Other names: c.-88G>C (NM_001303465.2, NM_001410698.1, NM_001440856.1 and 5 more transcripts); c.-88+135C>G (NM_001009934.3); c.-173+135C>G (NM_001009933.3); c.-431+135C>G (NM_001009932.3).
Identifiers: ClinVar variation 368086 (VCV000368086.9), dbSNP rs113130344, ClinGen allele CA10562242.